The following is an entry in ClinVar:

ClinVar aggregate classification (germline): Pathogenic. Review status: reviewed by expert panel (3 of 4 stars). 9 submissions from 9 submitters: Pathogenic (1). 8 of the submissions do not count toward it. Last evaluated 2025-08-19.

Conditions:
Muscular dystrophy, limb-girdle, autosomal dominant 4. Also called: Calpain-3-related limb-girdle muscular dystrophy D4; MUSCULAR DYSTROPHY, LIMB-GIRDLE, TYPE 1I. Identifiers: Orphanet 565909, MedGen C4748295, MONDO:0029133, OMIM 618129.
Autosomal recessive limb-girdle muscular dystrophy type 2A (LGMDR1). Also called: Muscular dystrophy, limb-girdle, type 2A, Amish; Calpainopathy; Limb-girdle muscular dystrophy, type 2A; LEYDEN-MOEBIUS MUSCULAR DYSTROPHY; MUSCULAR DYSTROPHY, PELVOFEMORAL. Identifiers: Orphanet 267, MedGen C1869123, MONDO:0009675, OMIM 253600. Disease mechanism: loss of function.
Autosomal recessive limb-girdle muscular dystrophy. Identifiers: Orphanet 102015, MedGen C2931907, MONDO:0015152.

Submissions (9):

ClinGen Limb Girdle Muscular Dystrophy Variant Curation Expert Panel, ClinGen
Classification: Pathogenic for Autosomal recessive limb-girdle muscular dystrophy. Last evaluated: 2025-08-19. Review status: reviewed by expert panel. Criteria: ClinGen LGMD VCEP ACMG Specifications CAPN3 V1.0.0. Collection method: curation. Allele origin: germline. Inheritance: Autosomal recessive inheritance.
Comment: The NM_000070.3: c.1865_1866del p.(Glu622GlyfsTer9) variant in CAPN3 is a frameshift variant predicted to cause a premature stop codon in exon 16/24, leading to nonsense-mediated decay in a gene in which loss of function is a known disease mechanism (PVS1). This variant has been reported in at least four individuals with features consistent with LGMD (PMID: 16141003, 16650086, 10330340; LOVD CAPN3_000103), including in unconfirmed phase with a pathogenic variant in one patient (c.1250C>T p.(Thr417Met), 0.5 pts, PMID: 1665008, LOVD Individual #00214386) (PM3_Supporting). It has also been classified as Likely Pathogenic/Pathogenic by multiple submitters in ClinVar (VCV000935255.33). At least one patient with this variant and a second presumed diagnostic CAPN3 variant displayed severely reduced calpain-3 expression in skeletal muscle as well as progressive limb girdle muscle weakness, which is specific for CAPN3-related LGMD (PMID: 16650086, LOVD Individual #00214386; PP4_Moderate). The filtering allele frequency for this variant is 0.000007 in gnomAD v4.1.0 exomes (the upper bound of the 95% confidence interval of 3/1111832 European (non-Finnish) chromosomes), which is lower than the LGMD VCEP threshold for PM2_Supporting (0.0001), meeting this criterion (PM2_Supporting). In summary, this variant meets the criteria to be classified as Pathogenic for autosomal recessive limb girdle muscular dystrophy based on the ACMG/AMP criteria applied, as specified by the ClinGen LGMD VCEP (LGMD VCEP specifications version 1.0.0; 08/19/2025): PVS1, PM3_Supporting, PP4_Moderate, PM2_Supporting.

Natera, Inc.
Classification: Pathogenic for Limb-girdle muscular dystrophy type 2A. Last evaluated: 2025-09-29. Review status: criteria provided, single submitter. Criteria: Natera Variant Classification Schema (03/2026). Collection method: clinical testing. Allele origin: germline. Not counted in ClinVar's aggregate classification.
Comment: The c.1865_1866del variant in CAPN3 is a frameshift variant predicted to shift the reading frame beginning at codon 622 and leads to a stop codon 9 codons downstream. This variant is expected to result in nonsense mediated decay, truncation, or a dysfunctional protein product. This variant is rare in the general population with a frequency below the threshold expected for the associated phenotype(s). This variant has been observed in one or more individuals affected with the associated recessive disease, as either homozygous or compound heterozygous with a second variant (PMID: 16650086). Given the available evidence, this variant is classified as Pathogenic.

GeneDx
Classification: Likely pathogenic. Last evaluated: 2024-05-08. Review status: criteria provided, single submitter. Criteria: GeneDx Variant Classification Process June 2021. Collection method: clinical testing. Allele origin: germline. Affected: yes. Not counted in ClinVar's aggregate classification.
Comment: Observed in unrelated individuals with a clinical diagnosis of LGMD, but familial segregation information, zygosity of the variant, and additional clinical details were not included (PMID: 10330340, 16650086, 16141003); Not observed at significant frequency in large population cohorts (gnomAD); Frameshift variant predicted to result in protein truncation or nonsense mediated decay in a gene for which loss of function is a known mechanism of disease; This variant is associated with the following publications: (PMID: 10330340, 16650086, 16141003)

Fulgent Genetics
Classification: Pathogenic for Autosomal recessive limb-girdle muscular dystrophy type 2A; Muscular dystrophy, limb-girdle, autosomal dominant 4. Last evaluated: 2024-04-04. Review status: criteria provided, single submitter. Criteria: ACMG Guidelines, 2015. Collection method: clinical testing. Allele origin: germline. Not counted in ClinVar's aggregate classification.

Laboratory of Medical Genetics, National & Kapodistrian University of Athens
Classification: Pathogenic for Autosomal recessive limb-girdle muscular dystrophy type 2A. Last evaluated: 2024-02-01. Review status: criteria provided, single submitter. Criteria: ACMG Guidelines, 2015. Collection method: curation. Allele origin: germline. Affected: no. Not counted in ClinVar's aggregate classification.

Labcorp Genetics (formerly Invitae), Labcorp
Classification: Pathogenic for Autosomal recessive limb-girdle muscular dystrophy type 2A. Last evaluated: 2023-12-14. Review status: criteria provided, single submitter. Criteria: Invitae Variant Classification Sherloc (09022015). Collection method: clinical testing. Allele origin: germline. Not counted in ClinVar's aggregate classification.
Comment: This sequence change creates a premature translational stop signal (p.Glu622Glyfs*9) in the CAPN3 gene. It is expected to result in an absent or disrupted protein product. Loss-of-function variants in CAPN3 are known to be pathogenic (PMID: 10330340, 15689361). This variant is not present in population databases (gnomAD no frequency). This premature translational stop signal has been observed in individuals with autosomal recessive CAPN3-related conditions (PMID: 10330340, 16650086). ClinVar contains an entry for this variant (Variation ID: 935255). Algorithms developed to predict the effect of sequence changes on RNA splicing suggest that this variant may disrupt the consensus splice site. For these reasons, this variant has been classified as Pathogenic.

Athena Diagnostics
Classification: Pathogenic. Last evaluated: 2023-11-01. Review status: criteria provided, single submitter. Criteria: Athena Diagnostics Criteria. Collection method: clinical testing. Allele origin: unknown. Not counted in ClinVar's aggregate classification.
Comment: This variant is expected to result in the loss of a functional protein. This variant has been identified in at least one individual with autosomal recessive LGMD. This variant has not been reported in large, multi-ethnic general populations.

Baylor Genetics
Classification: Pathogenic for Muscular dystrophy, limb-girdle, autosomal dominant 4. Last evaluated: 2023-01-12. Review status: criteria provided, single submitter. Criteria: ACMG Guidelines, 2015. Collection method: clinical testing. Allele origin: unknown. Not counted in ClinVar's aggregate classification.

CeGaT Center for Human Genetics Tuebingen
Classification: Pathogenic. Last evaluated: 2022-12-01. Review status: criteria provided, single submitter. Criteria: CeGaT Center For Human Genetics Tuebingen Variant Classification Criteria Version 2. Collection method: clinical testing. Allele origin: germline. Affected: yes. Observed: 1 variant allele. Not counted in ClinVar's aggregate classification.
Comment: CAPN3: PVS1, PM2, PM3:Supporting

Literature cited by the submitters: PubMed 16650086 (cited by 3 submitters); PubMed 10330340 (cited by Labcorp Genetics (formerly Invitae), Labcorp and Athena Diagnostics); PubMed 15689361 (cited by Labcorp Genetics (formerly Invitae), Labcorp); PubMed 15726252 (cited by Athena Diagnostics); PubMed 16141003 (cited by Athena Diagnostics).

NM_000070.3(CAPN3):c.1865_1866del (p.Glu622fs)

Gene: CAPN3 (calpain 3; plus strand). Cytogenetic location: 15q15.1.
Variant type: Microsatellite.
Coding change: c.1865_1866del on transcript NM_000070.3 (MANE Select); coding-DNA positions 1865 to 1866, 2 bases deleted (AG; older notation c.1865_1866delAG).
Protein change: p.Glu622fs; shifts the reading frame from glutamic acid 622.
Molecular consequence: frameshift variant. On other transcripts: intron variant (3).
Genome position (GRCh38, 1-based): chr15:42,408,275-42,408,276, AG deleted; deleting any 2 consecutive bases within chr15:42,408,273-42,408,276 gives the same sequence; the c. name uses the placement nearest the transcript's 3' end. VCF-style (leftmost placement, unchanged base first): chr15-42408272-CAG-C. GRCh37 (hg19) VCF-style: chr15-42700470-CAG-C.
Other names: NM_000070.3(CAPN3):c.1865_1866del; p.Glu622fs; c.1847_1848del, p.Glu616fs (NM_024344.2); c.329_330del, p.Glu110fs (NM_173088.2); c.1639-1028_1639-1027del (NM_173087.2); c.-81-1028_-81-1027del (NM_173090.2, NM_173089.2); short protein forms E110fs, E616fs, E622fs.
Identifiers: ClinVar variation 935255 (VCV000935255.44), dbSNP rs2054085839, ClinGen allele CA969129783.